The following is an entry in ClinVar:

ClinVar aggregate classification (germline): Uncertain significance (1 of 4 stars; one submission).

Submission:

GeneDx
Classification: Uncertain significance. Last evaluated: 2023-09-22. Review status: criteria provided, single submitter. Criteria: GeneDx Variant Classification Process June 2021. Collection method: clinical testing. Allele origin: germline.
Comment: Not observed at significant frequency in large population cohorts (gnomAD); In silico analysis supports that this missense variant does not alter protein structure/function; Has not been previously published as pathogenic or benign to our knowledge

NM_022168.4(IFIH1):c.175G>A (p.Val59Ile)

Gene: IFIH1 (interferon induced with helicase C domain 1; minus strand). Cytogenetic location: 2q24.2.
Variant type: single nucleotide variant.
Coding change: c.175G>A on transcript NM_022168.4 (MANE Select); coding-DNA position 175, G replaced by A.
Protein change: p.Val59Ile; replaces valine 59 with isoleucine.
Molecular consequence: missense variant.
Genome position (GRCh38, 1-based): chr2:162,318,133, C>T on the plus strand (G>A on the coding strand, the complement: IFIH1 is on the minus strand). VCF-style: chr2-162318133-C-T. GRCh37 (hg19) VCF-style: chr2-163174643-C-T.
Other names: short protein forms V59I.
Identifiers: ClinVar variation 2501881 (VCV002501881.2), dbSNP rs2469006189, ClinGen allele CA349014009.